The following is an entry in ClinVar:

ClinVar aggregate classification (germline): Pathogenic (1 of 4 stars; one submission).

Submission:

Quest Diagnostics Nichols Institute San Juan Capistrano
Classification: Pathogenic. Last evaluated: 2023-02-24. Review status: criteria provided, single submitter. Criteria: ACMG/ClinGen CNV Guidelines, 2019. Collection method: clinical testing. Allele origin: unknown.
Comment: This loss is contained within the chromosome 18q deletion syndrome (OMIM 601808) region, which has a variable phenotypic presentation (Eudy 2010, Feenstra 2007, Tayebi 2022, Tassano 2016, Sun 2022). Additionally, heterozygous variants and whole gene deletions of TSHZ1 are associated with autosomal dominant congenital aural atresia (OMIM 607842). There are no similar copy number losses of this region in the general populations of the Database of Genomic Variants. Thus, based on current medical literature and gene content, this copy number variant (CNV) is classified as pathogenic. References: Eudy et al., Am J Med Genet A. 2010 Apr;152A(4):1046-8. PMID: 20358626 Feenstra et al., Am J Med Genet A. 2007 Aug 15;143A(16):1858-67. PMID: 17632778 Sun et al., Orphanet J Rare Dis. 2022 Jul 27;17(1):292. PMID: 35897075 Tassano et al., Mol Cytogenet. 2016 Oct 10;9:78. PMID: 27766118 Tayebi et al., Eur J Med Genet. 2022 Jun;65(6):104514. PMID: 35487415

GRCh37/hg19 18q22.1-23(chr18:63247046-78014123)x1

Genes: ADNP2 (ADNP homeobox 2; plus strand), ATP9B (ATPase phospholipid transporting 9B (putative); plus strand), C18orf63 (chromosome 18 open reading frame 63; plus strand), CBLN2 (cerebellin 2 precursor; minus strand), CCDC102B (coiled-coil domain containing 102B; plus strand) and 34 more. Cytogenetic location: 18q22.1-23.
Variant type: copy number loss.
Change: copy number 1 (one copy instead of two) of chr18:63,247,046-78,014,123 (14.77 Mb, GRCh37 coordinates, 1-based), cytogenetic band 18q22.1-23.
Identifiers: ClinVar variation 816054 (VCV000816054.3).